The following is an entry in ClinVar:

ClinVar aggregate classification (germline): Uncertain significance (1 of 4 stars; one submission).

Conditions:
Colorectal cancer, hereditary nonpolyposis, type 7. Identifiers: Orphanet 144, MedGen C1858380, MONDO:0013725, OMIM 614385.

Allele frequency attached by ClinVar (database versions not stated): gnomAD exomes below 0.00001.

Submission:

Labcorp Genetics (formerly Invitae), Labcorp
Classification: Uncertain significance for Colorectal cancer, hereditary nonpolyposis, type 7. Last evaluated: 2023-11-17. Review status: criteria provided, single submitter. Criteria: Invitae Variant Classification Sherloc (09022015). Collection method: clinical testing. Allele origin: germline.
Comment: This sequence change creates a premature translational stop signal (p.Glu455Serfs*17) in the MLH3 gene. It is expected to result in an absent or disrupted protein product. However, the current clinical and genetic evidence is not sufficient to establish whether loss-of-function variants in MLH3 cause disease. This variant is not present in population databases (gnomAD no frequency). This variant has not been reported in the literature in individuals affected with MLH3-related conditions. In summary, the available evidence is currently insufficient to determine the role of this variant in disease. Therefore, it has been classified as a Variant of Uncertain Significance.

NM_001040108.2(MLH3):c.1362del (p.Glu455fs)

Gene: MLH3 (mutL homolog 3; minus strand). Cytogenetic location: 14q24.3.
Variant type: Deletion.
Coding change: c.1362del on transcript NM_001040108.2 (MANE Select); coding-DNA position 1362, one base deleted (A; older notation c.1362delA).
Protein change: p.Glu455fs; shifts the reading frame from glutamic acid 455.
Molecular consequence: frameshift variant.
Genome position (GRCh38, 1-based): chr14:75,048,294, T deleted on the plus strand (A on the coding strand, the reverse complement: MLH3 is on the minus strand). VCF-style (leftmost placement, unchanged base first): chr14-75048293-CT-C. GRCh37 (hg19) VCF-style: chr14-75514996-CT-C.
Other names: c.1362del, p.Glu455fs (NM_014381.3); short protein forms E455fs.
Identifiers: ClinVar variation 2696550 (VCV002696550.3), dbSNP rs2503297433, ClinGen allele CA2625721919.
Genomic context (GRCh38, chr14:75,048,293, plus strand): 5'-TCTCTTGTTCTAACATCTTTGATTCTGAGCAAGAGCTGTCTTTGTTTTGTAAAGATGGCT[CT>C]GTCATTTTGCTATGGCCTGGACCACCTGATTCATAAATGTACAAAAATGCATCATTTGTA-3'